The following is an entry in ClinVar:

ClinVar aggregate classification (germline): Uncertain significance (1 of 4 stars; one submission).

Conditions:
Hereditary cancer-predisposing syndrome. Also called: Neoplastic Syndromes, Hereditary; Tumor predisposition; Hereditary Cancer Syndrome; Hereditary neoplastic syndrome. Identifiers: Orphanet 140162, MedGen C0027672, MeSH D009386, MONDO:0015356.

Submission:

Ambry Genetics
Classification: Uncertain significance for Hereditary cancer-predisposing syndrome. Last evaluated: 2021-06-07. Review status: criteria provided, single submitter. Criteria: Ambry Variant Classification Scheme 2023. Collection method: clinical testing. Allele origin: germline.
Comment: The p.N708K variant (also known as c.2124C>G), located in coding exon 12 of the PMS2 gene, results from a C to G substitution at nucleotide position 2124. The asparagine at codon 708 is replaced by lysine, an amino acid with similar properties. This amino acid position is highly conserved in available vertebrate species. In addition, the in silico prediction for this alteration is inconclusive. Since supporting evidence is limited at this time, the clinical significance of this alteration remains unclear.

NM_000535.7(PMS2):c.2124C>G (p.Asn708Lys)

Gene: PMS2 (PMS1 homolog 2, mismatch repair system component; minus strand). Cytogenetic location: 7p22.1.
Variant type: single nucleotide variant.
Coding change: c.2124C>G on transcript NM_000535.7 (MANE Select); coding-DNA position 2124, C replaced by G.
Protein change: p.Asn708Lys; replaces asparagine 708 with lysine.
Molecular consequence: missense variant. On other transcripts: non-coding transcript variant (1).
Genome position (GRCh38, 1-based): chr7:5,982,874, G>C on the plus strand (C>G on the coding strand, the complement: PMS2 is on the minus strand). VCF-style: chr7-5982874-G-C. GRCh37 (hg19) VCF-style: chr7-6022505-G-C.
Other names: c.1719C>G, p.Asn573Lys (NM_001018040.1, NM_001322003.2, NM_001322004.2 and 15 more transcripts); c.1968C>G, p.Asn656Lys (NM_001322006.2, NM_001406870.1); c.1806C>G, p.Asn602Lys (NM_001322007.2, NM_001322008.2, NM_001406876.1 and 1 more transcripts); c.1563C>G, p.Asn521Lys (NM_001322010.2, NM_001406906.1, NM_001406907.1); c.1191C>G, p.Asn397Lys (NM_001322011.2, NM_001322012.2); c.1551C>G, p.Asn517Lys (NM_001322013.2, NM_001406909.1); c.2124C>G, p.Asn708Lys (NM_001322014.2, NM_001406871.1); c.1815C>G, p.Asn605Lys (NM_001322015.2, NM_001406875.1, NM_001406877.1 and 5 more transcripts); and 13 more; short protein forms N397K, N521K, N573K, N586K, N600K, N605K, N770K, N537K.
Identifiers: ClinVar variation 1786287 (VCV001786287.2), dbSNP rs2128703022, ClinGen allele CA366737941.